The following is an entry in ClinVar:

ClinVar aggregate classification (germline): Uncertain significance. Review status: criteria provided, multiple submitters, no conflicts (2 of 4 stars). 2 submissions from 2 submitters: Uncertain significance (2). Last evaluated 2025-03-11.

Conditions:
Hereditary nonpolyposis colorectal neoplasms. Identifiers: MedGen C0009405, MeSH D003123.
Hereditary cancer-predisposing syndrome. Also called: Neoplastic Syndromes, Hereditary; Hereditary Cancer Syndrome; Hereditary neoplastic syndrome; Tumor predisposition. Identifiers: Orphanet 140162, MedGen C0027672, MeSH D009386, MONDO:0015356.

Submissions (2):

Labcorp Genetics (formerly Invitae), Labcorp
Classification: Uncertain significance for Hereditary nonpolyposis colorectal neoplasms. Last evaluated: 2025-03-11. Review status: criteria provided, single submitter. Criteria: Invitae Variant Classification Sherloc (09022015). Collection method: clinical testing. Allele origin: germline.
Comment: This sequence change replaces glutamic acid, which is acidic and polar, with glycine, which is neutral and non-polar, at codon 1281 of the MSH6 protein (p.Glu1281Gly). This variant is not present in population databases (gnomAD no frequency). This variant has not been reported in the literature in individuals affected with MSH6-related conditions. ClinVar contains an entry for this variant (Variation ID: 2108648). Invitae Evidence Modeling of protein sequence and biophysical properties (such as structural, functional, and spatial information, amino acid conservation, physicochemical variation, residue mobility, and thermodynamic stability) indicates that this missense variant is not expected to disrupt MSH6 protein function with a negative predictive value of 95%. In summary, the available evidence is currently insufficient to determine the role of this variant in disease. Therefore, it has been classified as a Variant of Uncertain Significance.

Ambry Genetics
Classification: Uncertain significance for Hereditary cancer-predisposing syndrome. Last evaluated: 2023-08-03. Review status: criteria provided, single submitter. Criteria: Ambry Variant Classification Scheme 2023. Collection method: clinical testing. Allele origin: germline.
Comment: The p.E1281G variant (also known as c.3842A>G), located in coding exon 9 of the MSH6 gene, results from an A to G substitution at nucleotide position 3842. The glutamic acid at codon 1281 is replaced by glycine, an amino acid with similar properties. This amino acid position is conserved. In addition, this alteration is predicted to be deleterious by in silico analysis. Since supporting evidence is limited at this time, the clinical significance of this alteration remains unclear.

NM_000179.3(MSH6):c.3842A>G (p.Glu1281Gly)

Gene: MSH6 (mutS homolog 6; plus strand). Cytogenetic location: 2p16.3.
Variant type: single nucleotide variant.
Coding change: c.3842A>G on transcript NM_000179.3 (MANE Select); coding-DNA position 3842, A replaced by G.
Protein change: p.Glu1281Gly; replaces glutamic acid 1281 with glycine.
Molecular consequence: missense variant.
Genome position (GRCh38, 1-based): chr2:47,806,492, A>G. VCF-style: chr2-47806492-A-G. GRCh37 (hg19) VCF-style: chr2-48033631-A-G.
Other names: c.3452A>G, p.Glu1151Gly (NM_001281492.2); c.2936A>G, p.Glu979Gly (NM_001281493.2, NM_001281494.2, NM_001406811.1 and 6 more transcripts); c.3938A>G, p.Glu1313Gly (NM_001406795.1); c.3842A>G, p.Glu1281Gly (NM_001406796.1, NM_001406808.1, NM_001406809.1); c.3545A>G, p.Glu1182Gly (NM_001406797.1, NM_001406801.1, NM_001406805.1 and 10 more transcripts); c.3668A>G, p.Glu1223Gly (NM_001406798.1); c.3317A>G, p.Glu1106Gly (NM_001406799.1, NM_001406806.1, NM_001406807.1); c.3829A>G, p.Arg1277Gly (NM_001406800.1); and 8 more; short protein forms E1151G, E1281G, E1313G, E596G, E1182G, E1223G, E1283G, E230G.
Identifiers: ClinVar variation 2108648 (VCV002108648.6), dbSNP rs2104554266, ClinGen allele CA346761296.